The following is an entry in ClinVar:

NM_001451.3(FOXF1):c.645C>T (p.His215=)

Gene: FOXF1 (forkhead box F1; plus strand). Cytogenetic location: 16q24.1.
Variant type: single nucleotide variant.
Coding change: c.645C>T on transcript NM_001451.3 (MANE Select); coding-DNA position 645, C replaced by T.
Protein change: p.His215=; no amino-acid change (histidine 215 retained).
Molecular consequence: synonymous variant.
Genome position (GRCh38, 1-based): chr16:86,511,214, C>T. VCF-style: chr16-86511214-C-T. GRCh37 (hg19) VCF-style: chr16-86544820-C-T.
Identifiers: ClinVar variation 320791 (VCV000320791.20), dbSNP rs61740819, ClinGen allele CA8217437.
Genomic context (GRCh38, chr16:86,511,214, plus strand): 5'-GAACGGCCACTTGCCGGGCAACGTGGACGGCATGGCCCTGCCCAGCCACTCGGTGCCCCA[C>T]CTGCCTTCCAACGGCGGCCACTCGTACATGGGCGGCTGCGGCGGCGCGGCGGCCGGCGAG-3'
Protein context (NP_001442.2, residues 205-225): GMALPSHSVP[His215=]LPSNGGHSYM

ClinVar aggregate classification (germline): Benign. Review status: criteria provided, multiple submitters, no conflicts (2 of 4 stars). 6 submissions from 6 submitters: Benign (5). 1 of the submissions does not count toward it. Last evaluated 2026-01-22.

Conditions:
FOXF1-related disorder. Also called: FOXF1-related condition.
Alveolar capillary dysplasia with pulmonary venous misalignment. Also called: Alveolar capillary dysplasia with misalignment of pulmonary veins; ALVEOLAR CAPILLARY DYSPLASIA WITH MISALIGNMENT OF PULMONARY VEINS AND OTHER CONGENITAL ANOMALIES; Congenital alveolar capillary dysplasia. Identifiers: Orphanet 210122, MedGen C2960310, MONDO:0009934, OMIM 265380.

Allele frequency attached by ClinVar (database versions not stated): gnomAD exomes 0.00208 and 0.00434; ExAC 0.00670; ESP Exome Variant Server 0.01668; gnomAD 0.02118 and 0.02277; TOPMed 0.02365; 1000 Genomes Project 0.02376; 1000 Genomes Project 30x 0.02530.
gnomAD v4.1: 6,269 of 1,543,966 alleles (0.41%); highest among the groups gnomAD compares: African/African-American, 7.6%; 236 homozygotes.

Submissions (6):

Labcorp Genetics (formerly Invitae), Labcorp
Classification: Benign. Last evaluated: 2026-01-22. Review status: criteria provided, single submitter. Criteria: Invitae Variant Classification Sherloc (09022015). Collection method: clinical testing. Allele origin: germline.

Blueprint Genetics
Classification: Benign. Last evaluated: 2024-11-27. Review status: criteria provided, single submitter. Criteria: ACMG Guidelines, 2015. Collection method: clinical testing. Allele origin: germline.

GeneDx
Classification: Benign. Last evaluated: 2021-05-04. Review status: criteria provided, single submitter. Criteria: GeneDx Variant Classification Process June 2021. Collection method: clinical testing. Allele origin: germline. Affected: yes.

Johns Hopkins Genomics, Johns Hopkins University
Classification: Benign for Alveolar capillary dysplasia with pulmonary venous misalignment. Last evaluated: 2019-07-26. Review status: criteria provided, single submitter. Criteria: ACMG Guidelines, 2015. Collection method: clinical testing. Allele origin: germline.

Breakthrough Genomics
Classification: Benign. Review status: criteria provided, single submitter. Criteria: ACMG Guidelines, 2015. Collection method: not provided. Allele origin: germline. Inheritance: Autosomal dominant inheritance. Affected: yes.

PreventionGenetics, part of Exact Sciences
Classification: Benign for FOXF1-related condition. Last evaluated: 2019-03-25. Review status: no assertion criteria provided. Collection method: clinical testing. Allele origin: germline. Not counted in ClinVar's aggregate classification.
Comment: This variant is classified as benign based on ACMG/AMP sequence variant interpretation guidelines (Richards et al. 2015 PMID: 25741868, with internal and published modifications).